The following is an entry in ClinVar:

ClinVar aggregate classification (germline): Uncertain significance. Review status: criteria provided, multiple submitters, no conflicts (2 of 4 stars). 3 submissions from 3 submitters: Uncertain significance (3). Last evaluated 2024-11-25.

Conditions:
Charcot-Marie-Tooth disease type 4F. Also called: Charcot-Marie-Tooth disease, demyelinating, type 4F. Identifiers: Orphanet 99952, MedGen C3540453, MONDO:0013959, OMIM 614895.
Charcot-Marie-Tooth disease type 4. Also called: Charcot-Marie-Tooth disease, type IV; Charcot-Marie-Tooth, Type 4. Identifiers: Orphanet 64749, MedGen C4082197, MONDO:0018995.

Allele frequency attached by ClinVar (database versions not stated): ExAC 0.00002; gnomAD exomes 0.00002; gnomAD 0.00003; TOPMed 0.00010; 1000 Genomes Project 0.00020; 1000 Genomes Project 30x 0.00031.
gnomAD v4.1: 74 of 1,614,150 alleles (0.0046%); highest among the groups gnomAD compares: Middle Eastern, 0.016%; no homozygotes.

Submissions (3):

Women's Health and Genetics/Laboratory Corporation of America, LabCorp
Classification: Uncertain significance. Last evaluated: 2024-11-25. Review status: criteria provided, single submitter. Criteria: LabCorp Variant Classification Summary - May 2015. Collection method: clinical testing. Allele origin: germline.
Comment: Variant summary: PRX c.2282C>T (p.Pro761Leu) results in a non-conservative amino acid change in the encoded protein sequence. Three of five in-silico tools predict a benign effect of the variant on protein function. The variant allele was found at a frequency of 2.4e-05 in 251054 control chromosomes. The available data on variant occurrences in the general population are insufficient to allow any conclusion about variant significance. To our knowledge, no occurrence of c.2282C>T in individuals affected with Charcot-Marie-Tooth disease type 4F and no experimental evidence demonstrating its impact on protein function have been reported. ClinVar contains an entry for this variant (Variation ID: 410601). Based on the evidence outlined above, the variant was classified as uncertain significance.

Labcorp Genetics (formerly Invitae), Labcorp
Classification: Uncertain significance for Charcot-Marie-Tooth disease type 4. Last evaluated: 2021-08-27. Review status: criteria provided, single submitter. Criteria: Invitae Variant Classification Sherloc (09022015). Collection method: clinical testing. Allele origin: germline.
Comment: This sequence change replaces proline with leucine at codon 761 of the PRX protein (p.Pro761Leu). The proline residue is highly conserved and there is a moderate physicochemical difference between proline and leucine. This variant is present in population databases (rs530370432, ExAC 0.02%). This variant has not been reported in the literature in individuals affected with PRX-related conditions. ClinVar contains an entry for this variant (Variation ID: 410601). Algorithms developed to predict the effect of missense changes on protein structure and function are either unavailable or do not agree on the potential impact of this missense change (SIFT: "Deleterious"; PolyPhen-2: "Possibly Damaging"; Align-GVGD: "Class C15"). In summary, the available evidence is currently insufficient to determine the role of this variant in disease. Therefore, it has been classified as a Variant of Uncertain Significance.

Illumina Laboratory Services, Illumina
Classification: Uncertain significance for Charcot-Marie-Tooth disease type 4F. Last evaluated: 2018-01-12. Review status: criteria provided, single submitter. Criteria: ICSL Variant Classification Criteria 13 December 2019. Collection method: clinical testing. Allele origin: germline.

NM_181882.3(PRX):c.2282C>T (p.Pro761Leu)

Gene: PRX (periaxin; minus strand). Cytogenetic location: 19q13.2.
Variant type: single nucleotide variant.
Coding change: c.2282C>T on transcript NM_181882.3 (MANE Select); coding-DNA position 2282, C replaced by T.
Protein change: p.Pro761Leu; replaces proline 761 with leucine.
Molecular consequence: missense variant. On other transcripts: 3 prime UTR variant (1).
Genome position (GRCh38, 1-based): chr19:40,396,070, G>A on the plus strand (C>T on the coding strand, the complement: PRX is on the minus strand). VCF-style: chr19-40396070-G-A. GRCh37 (hg19) VCF-style: chr19-40901977-G-A.
Other names: c.*2487C>T (NM_020956.2); short protein forms P761L.
Identifiers: ClinVar variation 410601 (VCV000410601.11), dbSNP rs530370432, ClinGen allele CA9444086.